The following is an entry in ClinVar:

NM_020975.6(RET):c.2998G>A (p.Asp1000Asn)

Gene: RET (ret proto-oncogene; plus strand). Cytogenetic location: 10q11.21.
Variant type: single nucleotide variant.
Coding change: c.2998G>A on transcript NM_020975.6 (MANE Select); coding-DNA position 2998, G replaced by A.
Protein change: p.Asp1000Asn; replaces aspartic acid 1000 with asparagine.
Molecular consequence: missense variant.
Genome position (GRCh38, 1-based): chr10:43,124,941, G>A. VCF-style: chr10-43124941-G-A. GRCh37 (hg19) VCF-style: chr10-43620389-G-A.
Other names: c.2101G>A, p.Asp701Asn (NM_001406780.1, NM_001406781.1, NM_001406782.1 and 1 more transcripts); c.1972G>A, p.Asp658Asn (NM_001406783.1, NM_001406786.1); c.2008G>A, p.Asp670Asn (NM_001406784.1); c.1981G>A, p.Asp661Asn (NM_001406785.1); c.1966G>A, p.Asp656Asn (NM_001406787.1); c.1813G>A, p.Asp605Asn (NM_001406788.1, NM_001406789.1, NM_001406790.1); c.2998G>A, p.Asp1000Asn (NM_000323.2, NM_001406743.1, NM_001406744.1 and 4 more transcripts); c.2236G>A, p.Asp746Asn (NM_001355216.2); and 10 more; short protein forms D1000N, D746N, D517N, D868N, D957N, D605N, D854N, D912N.
Identifiers: ClinVar variation 1520441 (VCV001520441.10), dbSNP rs2133017433, ClinGen allele CA376558154.

ClinVar aggregate classification (germline): Uncertain significance. Review status: criteria provided, multiple submitters, no conflicts (2 of 4 stars). 3 submissions from 3 submitters: Uncertain significance (3). Last evaluated 2025-06-25.

Conditions:
Hereditary cancer-predisposing syndrome. Also called: Hereditary neoplastic syndrome; Hereditary Cancer Syndrome; Tumor predisposition; Neoplastic Syndromes, Hereditary. Identifiers: Orphanet 140162, MedGen C0027672, MeSH D009386, MONDO:0015356.
Multiple endocrine neoplasia, type 2 (MEN2). Identifiers: Orphanet 653, MedGen C4048306, MONDO:0019003. Disease mechanism: gain of function.

Allele frequency attached by ClinVar (database versions not stated): gnomAD exomes below 0.00001.
gnomAD v4.1: 1 of 1,614,234 alleles (0.000062%); highest among the groups gnomAD compares: Non-Finnish European, 0.000085%; no homozygotes.

Submissions (3):

Color Diagnostics, LLC DBA Color Health
Classification: Uncertain significance for Multiple endocrine neoplasia, type 2. Last evaluated: 2025-06-25. Review status: criteria provided, single submitter. Criteria: ACMG Guidelines, 2015. Collection method: clinical testing. Allele origin: germline.
Comment: This missense variant replaces aspartic acid with asparagine at codon 1000 of the RET protein. Computational prediction is inconclusive regarding the impact of this variant on protein structure and function. To our knowledge, functional studies have not been reported for this variant. This variant has not been reported in individuals affected with RET-related disorders in the literature. This variant has not been identified in the general population by the Genome Aggregation Database (gnomAD). The available evidence is insufficient to determine the role of this variant in disease conclusively. Therefore, this variant is classified as a Variant of Uncertain Significance.

Labcorp Genetics (formerly Invitae), Labcorp
Classification: Uncertain significance for Multiple endocrine neoplasia, type 2. Last evaluated: 2023-11-14. Review status: criteria provided, single submitter. Criteria: Invitae Variant Classification Sherloc (09022015). Collection method: clinical testing. Allele origin: germline.
Comment: This sequence change replaces aspartic acid, which is acidic and polar, with asparagine, which is neutral and polar, at codon 1000 of the RET protein (p.Asp1000Asn). This variant is not present in population databases (gnomAD no frequency). This variant has not been reported in the literature in individuals affected with RET-related conditions. ClinVar contains an entry for this variant (Variation ID: 1520441). An algorithm developed to predict the effect of missense changes on protein structure and function (PolyPhen-2) suggests that this variant is likely to be tolerated. In summary, the available evidence is currently insufficient to determine the role of this variant in disease. Therefore, it has been classified as a Variant of Uncertain Significance.

Ambry Genetics
Classification: Uncertain significance for Hereditary cancer-predisposing syndrome. Last evaluated: 2022-12-13. Review status: criteria provided, single submitter. Criteria: Ambry Variant Classification Scheme 2023. Collection method: clinical testing. Allele origin: germline.
Comment: The p.D1000N variant (also known as c.2998G>A), located in coding exon 18 of the RET gene, results from a G to A substitution at nucleotide position 2998. The aspartic acid at codon 1000 is replaced by asparagine, an amino acid with highly similar properties. This amino acid position is not well conserved in available vertebrate species. In addition, this alteration is predicted to be tolerated by in silico analysis. Since supporting evidence is limited at this time, the clinical significance of this alteration remains unclear.